The following is an entry in ClinVar:

NM_022773.4(LMF1):c.862del (p.Cys288fs)

Gene: LMF1 (lipase maturation factor 1; minus strand). Cytogenetic location: 16p13.3.
Variant type: Deletion.
Coding change: c.862del on transcript NM_022773.4 (MANE Select); coding-DNA position 862, one base deleted (T; older notation c.862delT).
Protein change: p.Cys288fs; shifts the reading frame from cysteine 288.
Molecular consequence: frameshift variant. On other transcripts: non-coding transcript variant (1).
Genome position (GRCh38, 1-based): chr16:879,605, A deleted on the plus strand (T on the coding strand, the reverse complement: LMF1 is on the minus strand). VCF-style (leftmost placement, unchanged base first): chr16-879604-CA-C. GRCh37 (hg19) VCF-style: chr16-929604-CA-C.
Other names: c.862delT (NM_022773.2); c.862del (NM_022773.3); c.211del, p.Cys71fs (NM_001352017.2, NM_001352021.2); c.463del, p.Cys155fs (NM_001352018.2); c.535del, p.Cys179fs (NM_001352019.2); c.862del, p.Cys288fs (NM_001352020.1); short protein forms C179fs, C155fs, C288fs, C71fs.
Identifiers: ClinVar variation 1936829 (VCV001936829.7), dbSNP rs778522733, ClinGen allele CA7797337.
Genomic context (GRCh38, chr16:879,604, plus strand): 5'-GGGCAGGGCGGGCGGCGCGGGCTCACCTGGAACAGGATCTGCAGCACCCCGTGGATGATG[CA>C]CGCCCGCCGGCCGAGGAAGAGGAAGAAGGGCACCAGGAGCTCGATGAAGTGGTTGCTGAG-3'

ClinVar aggregate classification (germline): Pathogenic/Likely pathogenic. Review status: criteria provided, multiple submitters, no conflicts (2 of 4 stars). 3 submissions from 3 submitters: Pathogenic (2); Likely pathogenic (1). Last evaluated 2026-03-02.

Conditions:
Cardiovascular phenotype. Identifiers: MedGen CN230736.

Allele frequency attached by ClinVar (database versions not stated): gnomAD exomes 0.00001; TOPMed 0.00001; ExAC 0.00002.

Submissions (3):

Ambry Genetics
Classification: Pathogenic for Cardiovascular phenotype. Last evaluated: 2026-03-02. Review status: criteria provided, single submitter. Criteria: Ambry Variant Classification Scheme 2023. Collection method: clinical testing. Allele origin: germline.
Comment: The c.862delT pathogenic mutation, located in coding exon 6 of the LMF1 gene, results from a deletion of one nucleotide at nucleotide position 862, causing a translational frameshift with a predicted alternate stop codon (p.C288Afs*24). This variant was reported in individual(s) with features consistent with hypertriglyceridemia (Deshotels MR et al. Arterioscler Thromb Vasc Biol, 2022 Dec;42:1461-1467). This variant has been identified in conjunction with other LMF1 variant(s) in individual(s) with features consistent with LMF1-related chylomicronemia syndrome (Ambry internal data). This variant is considered to be rare based on population cohorts in the Genome Aggregation Database (gnomAD). This alteration is expected to result in loss of function by premature protein truncation or nonsense-mediated mRNA decay. As such, this alteration is interpreted as a disease-causing mutation.

Labcorp Genetics (formerly Invitae), Labcorp
Classification: Pathogenic. Last evaluated: 2026-01-18. Review status: criteria provided, single submitter. Criteria: Invitae Variant Classification Sherloc (09022015). Collection method: clinical testing. Allele origin: germline.
Comment: This sequence change creates a premature translational stop signal (p.Cys288Alafs*24) in the LMF1 gene. It is expected to result in an absent or disrupted protein product. Loss-of-function variants in LMF1 are known to be pathogenic (PMID: 17994020, 19820022, 22239554). This variant is present in population databases (rs778522733, gnomAD 0.01%). This premature translational stop signal has been observed in individual(s) with clinical features of dyslipidemia (PMID: 36325899). ClinVar contains an entry for this variant (Variation ID: 1936829). For these reasons, this variant has been classified as Pathogenic.

Molecular Diagnostic Laboratory for Inherited Cardiovascular Disease, Montreal Heart Institute
Classification: Likely pathogenic for Cardiovascular phenotype. Last evaluated: 2021-12-07. Review status: criteria provided, single submitter. Criteria: ACMG Guidelines, 2015. Collection method: clinical testing. Allele origin: germline. Affected: yes.

Literature cited by the submitters: PubMed 36325899 (cited by Ambry Genetics and Labcorp Genetics (formerly Invitae), Labcorp); PubMed 17994020 (cited by Labcorp Genetics (formerly Invitae), Labcorp); PubMed 19820022 (cited by Labcorp Genetics (formerly Invitae), Labcorp); PubMed 22239554 (cited by Labcorp Genetics (formerly Invitae), Labcorp).